The following is an entry in ClinVar:

NM_000016.6(ACADM):c.890A>G (p.Asp297Gly)

Gene: ACADM (acyl-CoA dehydrogenase medium chain; plus strand). Cytogenetic location: 1p31.1.
Variant type: single nucleotide variant.
Coding change: c.890A>G on transcript NM_000016.6 (MANE Select); coding-DNA position 890, A replaced by G.
Protein change: p.Asp297Gly; replaces aspartic acid 297 with glycine.
Molecular consequence: missense variant.
Genome position (GRCh38, 1-based): chr1:75,750,491, A>G. VCF-style: chr1-75750491-A-G. GRCh37 (hg19) VCF-style: chr1-76216176-A-G.
Other names: c.902A>G, p.Asp301Gly (NM_001127328.3); c.782A>G, p.Asp261Gly (NM_001286042.2); c.989A>G, p.Asp330Gly (NM_001286043.2); c.323A>G, p.Asp108Gly (NM_001286044.2); short protein forms D108G, D261G, D297G, D301G, D330G.
Identifiers: ClinVar variation 2679879 (VCV002679879.3), dbSNP rs1293309607, ClinGen allele CA340817041.
Genomic context (GRCh38, chr1:75,750,491, plus strand): 5'-ATAATATCTTAAAATACTAGGTAGCTGCTGGTGCTGTTGGATTAGCACAAAGAGCTTTGG[A>G]TGAAGCTACCAAGTATGCCCTGGAAAGGAAAACTTTCGGAAAGCTACTTGTAGAGGTAAT-3'
Protein context (NP_000007.1, residues 287-307): GAVGLAQRAL[Asp297Gly]EATKYALERK

ClinVar aggregate classification (germline): Conflicting classifications of pathogenicity. Review status: criteria provided, conflicting classifications (1 of 4 stars). 2 submissions from 2 submitters: Likely pathogenic (1); Uncertain significance (1). Last evaluated 2024-02-19.

Conditions:
Medium-chain acyl-coenzyme A dehydrogenase deficiency (ACADMD). Also called: MCADH DEFICIENCY; MCADD; ACADM DEFICIENCY; CARNITINE DEFICIENCY SECONDARY TO MEDIUM-CHAIN ACYL-CoA DEHYDROGENASE DEFICIENCY; MCAD Deficiency; Medium chain acyl-CoA dehydrogenase deficiency. Identifiers: Orphanet 42, MedGen C0220710, MONDO:0008721, OMIM 201450.

Submissions (2):

Baylor Genetics
Classification: Likely pathogenic for Medium-chain acyl-coenzyme A dehydrogenase deficiency. Last evaluated: 2024-02-19. Review status: criteria provided, single submitter. Criteria: ACMG Guidelines, 2015. Collection method: clinical testing. Allele origin: unknown.

Neuberg Centre For Genomic Medicine, NCGM
Classification: Uncertain significance for Medium-chain acyl-coenzyme A dehydrogenase deficiency. Review status: criteria provided, single submitter. Criteria: ACMG Guidelines, 2015. Collection method: clinical testing. Allele origin: germline. Inheritance: Autosomal recessive inheritance. Affected: yes.
Comment: The missense c.890A>Gp.Asp297Gly variant in ACADM gene has not been reported previously as a pathogenic variant nor as a benign variant, to our knowledge. This variant is reported with the allele frequency of 0.002% in the gnomAD Exomes and novel in 1000 Genomes. The amino acid Asp at position 297 is changed to a Gly changing protein sequence and it might alter its composition and physico-chemical properties. The amino acid change p.Asp297Gly in ACADM is predicted as conserved by GERP++ and PhyloP across 100 vertebrates. The variant is predicted as damaging by SIFT. For these reasons, this variant has been classified as Uncertain Significance.